The following is an entry in ClinVar:

NM_177438.3(DICER1):c.4206+8_4206+9insTTTGTGTGTG

Gene: DICER1 (dicer 1, ribonuclease III; minus strand). Cytogenetic location: 14q32.13.
Variant type: Microsatellite.
Coding change: c.4206+8_4206+9insTTTGTGTGTG on transcript NM_177438.3 (MANE Select); bases 8 to 9 of the intron after coding-DNA position 4206, TTTGTGTGTG inserted.
Molecular consequence: intron variant.
Genome position: GRCh38 VCF-style: chr14-95099771-C-CACACACACAA. GRCh37 (hg19) VCF-style: chr14-95566108-C-CACACACACAA.
Other names: p.?; c.4206+8_4206+9insTTTGTGTGTG (NM_001291628.2, NM_030621.4, NM_001271282.3 and 1 more transcripts).
Identifiers: ClinVar variation 220997 (VCV000220997.15), dbSNP rs763704682.

ClinVar aggregate classification (germline): Benign/Likely benign. Review status: criteria provided, multiple submitters, no conflicts (2 of 4 stars). 3 submissions from 3 submitters: Benign (2); Likely benign (1). Last evaluated 2026-02-03.

Conditions:
DICER1-related tumor predisposition. Also called: DICER1-related pleuropulmonary blastoma cancer predisposition syndrome; DICER1 syndrome. Identifiers: Orphanet 284343, MedGen C3839822, MONDO:0100216.

Submissions (3):

Labcorp Genetics (formerly Invitae), Labcorp
Classification: Benign for DICER1-related tumor predisposition. Last evaluated: 2026-02-03. Review status: criteria provided, single submitter. Criteria: Invitae Variant Classification Sherloc (09022015). Collection method: clinical testing. Allele origin: germline.

Mayo Clinic Laboratories, Mayo Clinic
Classification: Benign. Last evaluated: 2025-07-23. Review status: criteria provided, single submitter. Criteria: ACMG Guidelines, 2015. Collection method: clinical testing. Allele origin: germline. Observed: 1 variant allele.
Comment: BA1, BP4, BP7

Blueprint Genetics
Classification: Likely benign. Last evaluated: 2024-11-26. Review status: criteria provided, single submitter. Criteria: ACMG Guidelines, 2015. Collection method: clinical testing. Allele origin: germline.